The following is an entry in ClinVar:

NM_001378454.1(ALMS1):c.6544C>T (p.Gln2182Ter)

Gene: ALMS1 (ALMS1 centrosome and basal body associated protein; plus strand). Cytogenetic location: 2p13.1.
Variant type: single nucleotide variant.
Coding change: c.6544C>T on transcript NM_001378454.1 (MANE Select); coding-DNA position 6544, C replaced by T.
Protein change: p.Gln2182Ter; replaces glutamine 2182 with a stop codon.
Molecular consequence: nonsense.
Genome position (GRCh38, 1-based): chr2:73,453,071, C>T. VCF-style: chr2-73453071-C-T. GRCh37 (hg19) VCF-style: chr2-73680198-C-T.
Other names: c.6547C>T, p.Gln2183Ter (NM_015120.4); short protein forms Q2183*, Q2182*.
Identifiers: ClinVar variation 3704366 (VCV003704366.3).

ClinVar aggregate classification (germline): Pathogenic. Review status: criteria provided, multiple submitters, no conflicts (2 of 4 stars). 2 submissions from 2 submitters: Pathogenic (2). Last evaluated 2025-09-28.

Conditions:
Alstrom syndrome (ALMS). Identifiers: Orphanet 64, MedGen C0268425, MONDO:0008763, OMIM 203800.

Submissions (2):

Labcorp Genetics (formerly Invitae), Labcorp
Classification: Pathogenic for Alstrom syndrome. Last evaluated: 2025-09-28. Review status: criteria provided, single submitter. Criteria: Invitae Variant Classification Sherloc (09022015). Collection method: clinical testing. Allele origin: germline.
Comment: This sequence change creates a premature translational stop signal (p.Gln2183*) in the ALMS1 gene. It is expected to result in an absent or disrupted protein product. Loss-of-function variants in ALMS1 are known to be pathogenic (PMID: 17594715). This variant is not present in population databases (gnomAD no frequency). This premature translational stop signal has been observed in individual(s) with Alström syndrome (PMID: 29715191). This variant is also known as c.6541C>T, p.Gln2181*. ClinVar contains an entry for this variant (Variation ID: 3704366). For these reasons, this variant has been classified as Pathogenic.

Natera, Inc.
Classification: Pathogenic for Alstrom syndrome. Last evaluated: 2024-06-29. Review status: criteria provided, single submitter. Criteria: Natera Variant Classification Schema (03/2026). Collection method: clinical testing. Allele origin: germline.
Comment: The c.6547C>T variant in ALMS1 is a nonsense variant predicted to introduce a stop codon at amino acid 2183. This variant is expected to result in nonsense mediated decay, truncation, or a dysfunctional protein product. This variant is rare in the general population with a frequency below the threshold expected for the associated phenotype(s). This variant has been observed in one or more individuals affected with the associated recessive disease, as either homozygous or compound heterozygous with a second variant (PMID: 29715191). Given the available evidence, this variant is classified as Pathogenic.

Literature cited by the submitters: PubMed 17594715 (cited by Labcorp Genetics (formerly Invitae), Labcorp); PubMed 29715191 (cited by Labcorp Genetics (formerly Invitae), Labcorp and Natera, Inc.).